The following is an entry in ClinVar:

NM_001042492.3(NF1):c.7335G>C (p.Val2445=)

Gene: NF1 (neurofibromin 1; plus strand). Cytogenetic location: 17q11.2.
Variant type: single nucleotide variant.
Coding change: c.7335G>C on transcript NM_001042492.3 (MANE Select); coding-DNA position 7335, G replaced by C.
Protein change: p.Val2445=; no amino-acid change (valine 2445 retained).
Molecular consequence: synonymous variant.
Genome position (GRCh38, 1-based): chr17:31,350,196, G>C. VCF-style: chr17-31350196-G-C. GRCh37 (hg19) VCF-style: chr17-29677214-G-C.
Other names: c.7272G>C, p.Val2424= (NM_000267.4).
Identifiers: ClinVar variation 4876190 (VCV004876190.1).
Genomic context (GRCh38, chr17:31,350,196, plus strand): 5'-ACTTGTGATTTGTTAAATTTTTTAACCTGCCACCGTTTTCCTTTTAGCTTTACTTACAGT[G>C]TCTGAAGAAGTTCGAAGTCGCTGCAGCCTAAAACATAGAAAGTCACTTCTTCTTACTGAT-3'
Protein context (NP_001035957.1, residues 2435-2455): SVAYLAALLT[Val2445=]SEEVRSRCSL

ClinVar aggregate classification (germline): Benign (1 of 4 stars; one submission).

Conditions:
Neurofibromatosis, type 1 (NF1). Also called: VON RECKLINGHAUSEN DISEASE; NEUROFIBROMATOSIS, TYPE I, SOMATIC; Peripheral type neurofibromatosis; Neurofibromatosis, type I. Identifiers: Orphanet 636, MedGen C0027831, MONDO:0018975, OMIM 162200. Disease mechanism: loss of function.

gnomAD v4.1: 1 of 1,613,848 alleles (0.000062%); highest among the groups gnomAD compares: South Asian, 0.0011%; no homozygotes.

Submission:

Myriad Genetics, Inc.
Classification: Benign for Neurofibromatosis, type 1. Last evaluated: 2026-05-21. Review status: criteria provided, single submitter. Criteria: Myriad Autosomal Dominant, Autosomal Recessive and X-Linked Classification Criteria (2023). Collection method: clinical testing. Allele origin: unknown.
Comment: This variant is considered benign. This variant is a silent/synonymous amino acid change and it is not expected to impact splicing.